The following is an entry in ClinVar:

ClinVar aggregate classification (germline): Uncertain significance (1 of 4 stars; one submission).

Conditions:
LAMA2-related muscular dystrophy (LAMA2-RD). Also called: Laminin alpha 2-related dystrophy. Identifiers: MedGen C5679788, MONDO:0100228.

Submission:

Labcorp Genetics (formerly Invitae), Labcorp
Classification: Uncertain significance for LAMA2-related muscular dystrophy. Last evaluated: 2022-06-19. Review status: criteria provided, single submitter. Criteria: Invitae Variant Classification Sherloc (09022015). Collection method: clinical testing. Allele origin: germline.
Comment: This sequence change replaces valine, which is neutral and non-polar, with leucine, which is neutral and non-polar, at codon 3117 of the LAMA2 protein (p.Val3117Leu). This variant is not present in population databases (gnomAD no frequency). This variant has not been reported in the literature in individuals affected with LAMA2-related conditions. Advanced modeling of protein sequence and biophysical properties (such as structural, functional, and spatial information, amino acid conservation, physicochemical variation, residue mobility, and thermodynamic stability) performed at Invitae indicates that this missense variant is not expected to disrupt LAMA2 protein function. In summary, the available evidence is currently insufficient to determine the role of this variant in disease. Therefore, it has been classified as a Variant of Uncertain Significance.

NM_000426.4(LAMA2):c.9349G>C (p.Val3117Leu)

Gene: LAMA2 (laminin subunit alpha 2; plus strand). Cytogenetic location: 6q22.33.
Variant type: single nucleotide variant.
Coding change: c.9349G>C on transcript NM_000426.4 (MANE Select); coding-DNA position 9349, G replaced by C.
Protein change: p.Val3117Leu; replaces valine 3117 with leucine.
Molecular consequence: missense variant.
Genome position (GRCh38, 1-based): chr6:129,516,327, G>C. VCF-style: chr6-129516327-G-C. GRCh37 (hg19) VCF-style: chr6-129837472-G-C.
Other names: c.9337G>C, p.Val3113Leu (NM_001079823.2); short protein forms V3113L, V3117L.
Identifiers: ClinVar variation 1949422 (VCV001949422.2), dbSNP rs2533609427, ClinGen allele CA365637515.